The following is an entry in ClinVar:

ClinVar aggregate classification (germline): Uncertain significance (1 of 4 stars; one submission).

Conditions:
Epidermolysis bullosa simplex with nail dystrophy (EBS5D). Identifiers: MedGen C4225309, MONDO:0014661, OMIM 616487.
Autosomal recessive limb-girdle muscular dystrophy type 2Q (LGMDR17). Also called: MUSCULAR DYSTROPHY, LIMB-GIRDLE, AUTOSOMAL RECESSIVE 17. Identifiers: Orphanet 254361, MedGen C3150989, MONDO:0013390, OMIM 613723.
Epidermolysis bullosa simplex 5B, with muscular dystrophy (EBS5B). Also called: Epidermolysis bullosa simplex with muscular dystrophy; EPIDERMOLYSIS BULLOSA SIMPLEX AND LIMB-GIRDLE MUSCULAR DYSTROPHY. Identifiers: Orphanet 257, MedGen C2931072, MONDO:0009181, OMIM 226670.
Epidermolysis bullosa simplex 5C, with pyloric atresia (EBS5C). Also called: PLEC-Related Epidermolysis Bullosa with Pyloric Atresia; Epidermolysis bullosa simplex with pyloric atresia; PLEC1-Related Epidermolysis Bullosa with Pyloric Atresia. Identifiers: Orphanet 158684, MedGen C2677349, MONDO:0012807, OMIM 612138.
Epidermolysis bullosa simplex, Ogna type (EBS5A). Also called: Pidermolysis bullosa simplex 5A, Ogna type; EPIDERMOLYSIS BULLOSA SIMPLEX 5A, OGNA TYPE. Identifiers: Orphanet 79401, MedGen C0432317, MONDO:0007555, OMIM 131950.

gnomAD v4.1: 3 of 1,593,300 alleles (0.00019%); highest among the groups gnomAD compares: South Asian, 0.0011%; no homozygotes.

Submission:

Labcorp Genetics (formerly Invitae), Labcorp
Classification: Uncertain significance for Autosomal recessive limb-girdle muscular dystrophy type 2Q; Epidermolysis bullosa simplex, Ogna type; Epidermolysis bullosa simplex with nail dystrophy; Epidermolysis bullosa simplex 5C, with pyloric atresia; Epidermolysis bullosa simplex 5B, with muscular dystrophy. Last evaluated: 2024-09-27. Review status: criteria provided, single submitter. Criteria: Invitae Variant Classification Sherloc (09022015). Collection method: clinical testing. Allele origin: germline.
Comment: This sequence change replaces glutamic acid, which is acidic and polar, with glutamine, which is neutral and polar, at codon 1041 of the PLEC protein (p.Glu1041Gln). This variant is not present in population databases (gnomAD no frequency). This variant has not been reported in the literature in individuals affected with PLEC-related conditions. Invitae Evidence Modeling of protein sequence and biophysical properties (such as structural, functional, and spatial information, amino acid conservation, physicochemical variation, residue mobility, and thermodynamic stability) indicates that this missense variant is not expected to disrupt PLEC protein function with a negative predictive value of 80%. In summary, the available evidence is currently insufficient to determine the role of this variant in disease. Therefore, it has been classified as a Variant of Uncertain Significance.

NM_201384.3(PLEC):c.3040G>C (p.Glu1014Gln)

Gene: PLEC (plectin; minus strand). Cytogenetic location: 8q24.3.
Variant type: single nucleotide variant.
Coding change: c.3040G>C on transcript NM_201384.3 (MANE Select); coding-DNA position 3040, G replaced by C.
Protein change: p.Glu1014Gln; replaces glutamic acid 1014 with glutamine.
Molecular consequence: missense variant.
Genome position (GRCh38, 1-based): chr8:143,929,455, C>G on the plus strand (G>C on the coding strand, the complement: PLEC is on the minus strand). VCF-style: chr8-143929455-C-G. GRCh37 (hg19) VCF-style: chr8-145003623-C-G.
Other names: c.3040G>C, p.Glu1014Gln (NM_201382.4); c.3052G>C, p.Glu1018Gln (NM_201383.3); c.3121G>C, p.Glu1041Gln (NM_000445.5, NM_001410941.1); c.2998G>C, p.Glu1000Gln (NM_201378.4); c.2974G>C, p.Glu992Gln (NM_201379.3); c.3451G>C, p.Glu1151Gln (NM_201380.4); c.2944G>C, p.Glu982Gln (NM_201381.3); short protein forms E1000Q, E1014Q, E1018Q, E1041Q, E1151Q, E982Q, E992Q.
Identifiers: ClinVar variation 3749746 (VCV003749746.2).
Genomic context (GRCh38, chr8:143,929,455, plus strand): 5'-GGGGGGGGACGGCCCCTGCCTGCTGCTCGGCGATGCGCTGGGCACACTCCCGTGCCGGCT[C>G]TTTGTCCAGCGGCAGCCGCAGGCGGTGCACGGTGCGCGTCTCACAGGCCTCCAGCTGCAG-3'
Protein context (NP_958786.1, residues 1004-1024): VHRLRLPLDK[Glu1014Gln]PARECAQRIA